The following is an entry in ClinVar:

NM_014362.4(HIBCH):c.184C>T (p.Leu62Phe)

Gene: HIBCH (3-hydroxyisobutyryl-CoA hydrolase; minus strand). Cytogenetic location: 2q32.2.
Variant type: single nucleotide variant.
Coding change: c.184C>T on transcript NM_014362.4 (MANE Select); coding-DNA position 184, C replaced by T.
Protein change: p.Leu62Phe; replaces leucine 62 with phenylalanine.
Molecular consequence: missense variant.
Genome position (GRCh38, 1-based): chr2:190,296,848, G>A on the plus strand (C>T on the coding strand, the complement: HIBCH is on the minus strand). VCF-style: chr2-190296848-G-A. GRCh37 (hg19) VCF-style: chr2-191161574-G-A.
Other names: c.184C>T, p.Leu62Phe (NM_198047.3); short protein forms L62F.
Identifiers: ClinVar variation 4744429 (VCV004744429.1).
Genomic context (GRCh38, chr2:190,296,848, plus strand): 5'-TAATTGCAATAAGAAAATTACAAACCTTTAGCTGTGGATAAATCTGCCGAATCATATTAA[G>A]AGTCAGTGCATTGAGGAACTTTGGTCTGTTTAGTGTTATGACTCCCGTGCAACCTTTTTT-3'
Protein context (NP_055177.2, residues 52-72): NRPKFLNALT[Leu62Phe]NMIRQIYPQL

ClinVar aggregate classification (germline): Uncertain significance (1 of 4 stars; one submission).

Conditions:
3-hydroxyisobutyryl-CoA hydrolase deficiency. Also called: Reduced circulating 3-hydroxyisobutyryl-CoA hydrolase activity; Deficiency of 3-hydroxyisobutyryl CoA hydrolase; HIBCH DEFICIENCY; METHACRYLIC ACID TOXICITY; METHACRYLIC ACIDURIA; VALINE METABOLIC DEFECT. Identifiers: Orphanet 88639, MedGen C0342738, MONDO:0009603, OMIM 250620, HP:6000215.

gnomAD v4.1: 137 of 1,614,030 alleles (0.0085%); highest among the groups gnomAD compares: South Asian, 0.14%; 2 homozygotes.

Submission:

Labcorp Genetics (formerly Invitae), Labcorp
Classification: Uncertain significance for 3-hydroxyisobutyryl-CoA hydrolase deficiency. Last evaluated: 2025-09-18. Review status: criteria provided, single submitter. Criteria: Invitae Variant Classification Sherloc (09022015). Collection method: clinical testing. Allele origin: germline.
Comment: This sequence change replaces leucine, which is neutral and non-polar, with phenylalanine, which is neutral and non-polar, at codon 62 of the HIBCH protein (p.Leu62Phe). This variant is present in population databases (rs544400387, gnomAD 0.2%). This variant has not been reported in the literature in individuals affected with HIBCH-related conditions. Invitae Evidence Modeling of protein sequence and biophysical properties (such as structural, functional, and spatial information, amino acid conservation, physicochemical variation, residue mobility, and thermodynamic stability) indicates that this missense variant is not expected to disrupt HIBCH protein function with a negative predictive value of 80%. In summary, the available evidence is currently insufficient to determine the role of this variant in disease. Therefore, it has been classified as a Variant of Uncertain Significance.